The following is an entry in ClinVar:

ClinVar aggregate classification (germline): Uncertain significance (1 of 4 stars; one submission).

Conditions:
Gamma-aminobutyric acid transaminase deficiency (GABATD). Also called: GABA transaminase deficiency; Gamma aminobutyrate transaminase deficiency; GABA aminotransaminase deficiency; 4 alpha aminobutyrate transaminase deficiency. Identifiers: Orphanet 2066, MedGen C0342708, MONDO:0013166, OMIM 613163.

Allele frequency attached by ClinVar (database versions not stated): gnomAD 0.00004; gnomAD exomes 0.00004; ExAC 0.00007; TOPMed 0.00007; ESP Exome Variant Server 0.00008; 1000 Genomes Project 30x 0.00016; 1000 Genomes Project 0.00020.

Submission:

Labcorp Genetics (formerly Invitae), Labcorp
Classification: Uncertain significance for Gamma-aminobutyric acid transaminase deficiency. Last evaluated: 2022-07-19. Review status: criteria provided, single submitter. Criteria: Invitae Variant Classification Sherloc (09022015). Collection method: clinical testing. Allele origin: germline.
Comment: This sequence change replaces alanine, which is neutral and non-polar, with threonine, which is neutral and polar, at codon 7 of the ABAT protein (p.Ala7Thr). This variant is present in population databases (rs141213694, gnomAD 0.02%). This variant has not been reported in the literature in individuals affected with ABAT-related conditions. ClinVar contains an entry for this variant (Variation ID: 945833). Algorithms developed to predict the effect of missense changes on protein structure and function output the following: SIFT: "Tolerated"; PolyPhen-2: "Benign"; Align-GVGD: "Class C0". The threonine amino acid residue is found in multiple mammalian species, which suggests that this missense change does not adversely affect protein function. In summary, the available evidence is currently insufficient to determine the role of this variant in disease. Therefore, it has been classified as a Variant of Uncertain Significance.

NM_020686.6(ABAT):c.19G>A (p.Ala7Thr)

Gene: ABAT (4-aminobutyrate aminotransferase; plus strand). Cytogenetic location: 16p13.2.
Variant type: single nucleotide variant.
Coding change: c.19G>A on transcript NM_020686.6 (MANE Select); coding-DNA position 19, G replaced by A.
Protein change: p.Ala7Thr; replaces alanine 7 with threonine.
Molecular consequence: missense variant. On other transcripts: intron variant (3).
Genome position (GRCh38, 1-based): chr16:8,735,758, G>A. VCF-style: chr16-8735758-G-A. GRCh37 (hg19) VCF-style: chr16-8829615-G-A.
Other names: c.19G>A, p.Ala7Thr (NM_000663.5, NM_001127448.2, NM_001386600.1 and 13 more transcripts); c.-65-10243G>A (NM_001386612.1, NM_001386613.1, NM_001386611.1); short protein forms A7T.
Identifiers: ClinVar variation 945833 (VCV000945833.7), dbSNP rs141213694, ClinGen allele CA7892910.